The following is an entry in ClinVar:

NM_000051.4(ATM):c.4852C>G (p.Arg1618Gly)

Gene: ATM (ATM serine/threonine kinase; plus strand). Cytogenetic location: 11q22.3.
Variant type: single nucleotide variant.
Coding change: c.4852C>G on transcript NM_000051.4 (MANE Select); coding-DNA position 4852, C replaced by G.
Protein change: p.Arg1618Gly; replaces arginine 1618 with glycine.
Molecular consequence: missense variant.
Genome position (GRCh38, 1-based): chr11:108,295,002, C>G. VCF-style: chr11-108295002-C-G. GRCh37 (hg19) VCF-style: chr11-108165729-C-G.
Other names: c.4852C>G, p.Arg1618Gly (NM_001351834.2); short protein forms R1618G.
Identifiers: ClinVar variation 577376 (VCV000577376.7), dbSNP rs762083530, ClinGen allele CA382536954.

ClinVar aggregate classification (germline): Uncertain significance (1 of 4 stars; one submission).

Conditions:
Ataxia-telangiectasia syndrome (AT). Also called: Cerebello-oculocutaneous telangiectasia; Immunodeficiency with ataxia telangiectasia; Ataxia telangiectasia (A-T); Ataxia-telangiectasia, complementation group E; LOUIS-BAR SYNDROME; Ataxia-telangiectasia. Identifiers: Orphanet 100, MedGen C0004135, MONDO:0008840, OMIM 208900.

Submission:

Labcorp Genetics (formerly Invitae), Labcorp
Classification: Uncertain significance for Ataxia-telangiectasia syndrome. Last evaluated: 2023-06-15. Review status: criteria provided, single submitter. Criteria: Invitae Variant Classification Sherloc (09022015). Collection method: clinical testing. Allele origin: germline.
Comment: This variant has not been reported in the literature in individuals affected with ATM-related conditions. In summary, the available evidence is currently insufficient to determine the role of this variant in disease. Therefore, it has been classified as a Variant of Uncertain Significance. An algorithm developed to predict the effect of missense changes on protein structure and function (PolyPhen-2) suggests that this variant is likely to be disruptive. ClinVar contains an entry for this variant (Variation ID: 577376). This variant is not present in population databases (gnomAD no frequency). This sequence change replaces arginine, which is basic and polar, with glycine, which is neutral and non-polar, at codon 1618 of the ATM protein (p.Arg1618Gly).